The following is an entry in ClinVar:

NM_004385.5(VCAN):c.523G>A (p.Val175Ile)

Gene: VCAN (versican; plus strand). Cytogenetic location: 5q14.2.
Variant type: single nucleotide variant.
Coding change: c.523G>A on transcript NM_004385.5 (MANE Select); coding-DNA position 523, G replaced by A.
Protein change: p.Val175Ile; replaces valine 175 with isoleucine.
Molecular consequence: missense variant.
Genome position (GRCh38, 1-based): chr5:83,493,623, G>A. VCF-style: chr5-83493623-G-A. GRCh37 (hg19) VCF-style: chr5-82789442-G-A.
Other names: c.523G>A, p.Val175Ile (NM_001126336.3, NM_001164097.2, NM_001164098.2); short protein forms V175I.
Identifiers: ClinVar variation 967287 (VCV000967287.11), dbSNP rs774254263, ClinGen allele CA3332472.

ClinVar aggregate classification (germline): Conflicting classifications of pathogenicity. Review status: criteria provided, conflicting classifications (1 of 4 stars). 2 submissions from 2 submitters: Uncertain significance (1); Likely benign (1). Last evaluated 2025-10-26.

Allele frequency attached by ClinVar (database versions not stated): ExAC 0.00002; gnomAD exomes 0.00002; gnomAD 0.00006; TOPMed 0.00007.
gnomAD v4.1: 36 of 1,613,980 alleles (0.0022%); highest among the groups gnomAD compares: Middle Eastern, 0.033%; no homozygotes.

Submissions (2):

Labcorp Genetics (formerly Invitae), Labcorp
Classification: Uncertain significance. Last evaluated: 2025-10-26. Review status: criteria provided, single submitter. Criteria: Invitae Variant Classification Sherloc (09022015). Collection method: clinical testing. Allele origin: germline.
Comment: This sequence change replaces valine, which is neutral and non-polar, with isoleucine, which is neutral and non-polar, at codon 175 of the VCAN protein (p.Val175Ile). This variant is present in population databases (rs774254263, gnomAD 0.007%). This variant has not been reported in the literature in individuals affected with VCAN-related conditions. ClinVar contains an entry for this variant (Variation ID: 967287). An algorithm developed to predict the effect of missense changes on protein structure and function outputs the following: PolyPhen-2: "Benign". The isoleucine amino acid residue is found in multiple mammalian species, which suggests that this missense change does not adversely affect protein function. In summary, the available evidence is currently insufficient to determine the role of this variant in disease. Therefore, it has been classified as a Variant of Uncertain Significance.

Blueprint Genetics
Classification: Likely benign. Last evaluated: 2024-09-12. Review status: criteria provided, single submitter. Criteria: ACMG Guidelines, 2015. Collection method: clinical testing. Allele origin: germline.